The following is an entry in ClinVar:

NM_001792.5(CDH2):c.893A>G (p.Asn298Ser)

Gene: CDH2 (cadherin 2; minus strand). Cytogenetic location: 18q12.1.
Variant type: single nucleotide variant.
Coding change: c.893A>G on transcript NM_001792.5 (MANE Select); coding-DNA position 893, A replaced by G.
Protein change: p.Asn298Ser; replaces asparagine 298 with serine.
Molecular consequence: missense variant.
Genome position (GRCh38, 1-based): chr18:28,003,124, T>C on the plus strand (A>G on the coding strand, the complement: CDH2 is on the minus strand). VCF-style: chr18-28003124-T-C. GRCh37 (hg19) VCF-style: chr18-25583088-T-C.
Other names: p.Asn298Ser; c.800A>G, p.Asn267Ser (NM_001308176.2); short protein forms N267S, N298S.
Identifiers: ClinVar variation 1397258 (VCV001397258.8), dbSNP rs200798903, ClinGen allele CA8923572.

ClinVar aggregate classification (germline): Uncertain significance. Review status: criteria provided, multiple submitters, no conflicts (2 of 4 stars). 3 submissions from 3 submitters: Uncertain significance (3). Last evaluated 2026-01-18.

Conditions:
Attention deficit-hyperactivity disorder 8 (ADHD8). Identifiers: MedGen C5677018, MONDO:0859261, OMIM 619957.

Allele frequency attached by ClinVar (database versions not stated): ExAC 0.00004; gnomAD exomes 0.00008.
gnomAD v4.1: 84 of 1,613,032 alleles (0.0052%); highest among the groups gnomAD compares: Admixed American, 0.023%; no homozygotes.

Submissions (3):

Labcorp Genetics (formerly Invitae), Labcorp
Classification: Uncertain significance. Last evaluated: 2026-01-18. Review status: criteria provided, single submitter. Criteria: Invitae Variant Classification Sherloc (09022015). Collection method: clinical testing. Allele origin: germline.
Comment: This sequence change replaces asparagine, which is neutral and polar, with serine, which is neutral and polar, at codon 298 of the CDH2 protein (p.Asn298Ser). This variant is present in population databases (rs200798903, gnomAD 0.03%). This variant has not been reported in the literature in individuals affected with CDH2-related conditions. ClinVar contains an entry for this variant (Variation ID: 1397258). An algorithm developed to predict the effect of missense changes on protein structure and function (PolyPhen-2) suggests that this variant is likely to be tolerated. In summary, the available evidence is currently insufficient to determine the role of this variant in disease. Therefore, it has been classified as a Variant of Uncertain Significance.

Mayo Clinic Laboratories, Mayo Clinic
Classification: Uncertain significance. Last evaluated: 2025-12-12. Review status: criteria provided, single submitter. Criteria: ACMG Guidelines, 2015. Collection method: clinical testing. Allele origin: germline. Observed: 1 variant allele.

Foundation for Research in Genetics and Endocrinology, FRIGE's Institute of Human Genetics
Classification: Uncertain significance for Attention deficit-hyperactivity disorder 8. Last evaluated: 2023-09-08. Review status: criteria provided, single submitter. Criteria: ACMG Guidelines, 2015. Collection method: clinical testing. Allele origin: germline. Inheritance: Autosomal recessive inheritance. Affected: yes. Observed: 1 heterozygote.
Comment: A heterozygous missense variant in exon 7 of the CDH2 gene that results in the amino acid substitution of Serine for Asparagine at codon 298 (p.Asn298Ser) was detected. The p.Asn298Ser variant has not been reported in the 1000 genomes databases and has a minor allele frequency of 0.005%, 0.008% and 0.007% in the gnomAD (v3.1), gnomdAD (v2) and topmed and databases respectively. The in-silico predictions of the variant are damaging by LRT. The reference codon is conserved across species. In summary, the variant meets our criteria to be classified as variant of uncertain significance.